The following is an entry in ClinVar:

NM_001942.4(DSG1):c.2954G>T (p.Gly985Val)

Genes: DSG1 (desmoglein 1; plus strand), DSG1-AS1 (DSG1 antisense RNA 1; minus strand). Cytogenetic location: 18q12.1.
Variant type: single nucleotide variant.
Coding change: c.2954G>T on transcript NM_001942.4 (MANE Select); coding-DNA position 2954, G replaced by T.
Protein change: p.Gly985Val; replaces glycine 985 with valine.
Molecular consequence: missense variant.
Genome position (GRCh38, 1-based): chr18:31,355,150, G>T. VCF-style: chr18-31355150-G-T. GRCh37 (hg19) VCF-style: chr18-28935113-G-T.
Other names: short protein forms G985V.
Identifiers: ClinVar variation 1060239 (VCV001060239.9), dbSNP rs1409616027, ClinGen allele CA402125257.

ClinVar aggregate classification (germline): Uncertain significance (1 of 4 stars; one submission).

Allele frequency attached by ClinVar (database versions not stated): gnomAD exomes below 0.00001 and 0.00001.
gnomAD v4.1: 7 of 1,610,640 alleles (0.00043%); highest among the groups gnomAD compares: Non-Finnish European, 0.00059%; no homozygotes.

Submission:

Labcorp Genetics (formerly Invitae), Labcorp
Classification: Uncertain significance. Last evaluated: 2022-02-05. Review status: criteria provided, single submitter. Criteria: Invitae Variant Classification Sherloc (09022015). Collection method: clinical testing. Allele origin: germline.
Comment: In summary, the available evidence is currently insufficient to determine the role of this variant in disease. Therefore, it has been classified as a Variant of Uncertain Significance. Algorithms developed to predict the effect of missense changes on protein structure and function are either unavailable or do not agree on the potential impact of this missense change (SIFT: "Deleterious"; PolyPhen-2: "Benign"; Align-GVGD: "Class C0"). ClinVar contains an entry for this variant (Variation ID: 1060239). This variant has not been reported in the literature in individuals affected with DSG1-related conditions. This variant is present in population databases (no rsID available, gnomAD 0.0009%). This sequence change replaces glycine, which is neutral and non-polar, with valine, which is neutral and non-polar, at codon 985 of the DSG1 protein (p.Gly985Val).